The following is an entry in ClinVar:

ClinVar aggregate classification (germline): Uncertain significance. Review status: criteria provided, multiple submitters, no conflicts (2 of 4 stars). 2 submissions from 2 submitters: Uncertain significance (2). Last evaluated 2025-06-23.

Conditions:
Inborn genetic diseases. Identifiers: MedGen C0950123, MeSH D030342.

Allele frequency attached by ClinVar (database versions not stated): gnomAD 0.00001; TOPMed 0.00001; ExAC 0.00003; gnomAD exomes 0.00003.
gnomAD v4.1: 39 of 1,612,644 alleles (0.0024%); highest among the groups gnomAD compares: Non-Finnish European, 0.0031%; no homozygotes.

Submissions (2):

Labcorp Genetics (formerly Invitae), Labcorp
Classification: Uncertain significance. Last evaluated: 2025-06-23. Review status: criteria provided, single submitter. Criteria: Invitae Variant Classification Sherloc (09022015). Collection method: clinical testing. Allele origin: germline.
Comment: This sequence change replaces arginine, which is basic and polar, with tryptophan, which is neutral and slightly polar, at codon 14 of the JAM3 protein (p.Arg14Trp). This variant is present in population databases (rs771822749, gnomAD 0.006%). This variant has not been reported in the literature in individuals affected with JAM3-related conditions. ClinVar contains an entry for this variant (Variation ID: 1935200). An algorithm developed to predict the effect of missense changes on protein structure and function outputs the following: PolyPhen-2: "Not Available". The tryptophan amino acid residue is found in multiple mammalian species, which suggests that this missense change does not adversely affect protein function. In summary, the available evidence is currently insufficient to determine the role of this variant in disease. Therefore, it has been classified as a Variant of Uncertain Significance.

Ambry Genetics
Classification: Uncertain significance for Inborn genetic diseases. Last evaluated: 2025-01-21. Review status: criteria provided, single submitter. Criteria: Ambry Variant Classification Scheme 2023. Collection method: clinical testing. Allele origin: germline.

NM_032801.5(JAM3):c.40C>T (p.Arg14Trp)

Gene: JAM3 (junctional adhesion molecule 3; plus strand). Cytogenetic location: 11q25.
Variant type: single nucleotide variant.
Coding change: c.40C>T on transcript NM_032801.5 (MANE Select); coding-DNA position 40, C replaced by T.
Protein change: p.Arg14Trp; replaces arginine 14 with tryptophan.
Molecular consequence: missense variant.
Genome position (GRCh38, 1-based): chr11:134,069,123, C>T. VCF-style: chr11-134069123-C-T. GRCh37 (hg19) VCF-style: chr11-133939018-C-T.
Other names: c.40C>T, p.Arg14Trp (NM_001205329.2); c.40C>T (NM_032801.4); short protein forms R14W.
Identifiers: ClinVar variation 1935200 (VCV001935200.5), dbSNP rs771822749, ClinGen allele CA6369871.